The following is an entry in ClinVar:

NM_025114.4(CEP290):c.4194+1G>C

Gene: CEP290 (centrosomal protein 290; minus strand). Cytogenetic location: 12q21.32.
Variant type: single nucleotide variant.
Coding change: c.4194+1G>C on transcript NM_025114.4 (MANE Select); the canonical splice donor site of the intron after coding-DNA position 4194, G replaced by C.
Molecular consequence: splice donor variant.
Genome position (GRCh38, 1-based): chr12:88,087,779, C>G on the plus strand (G>C on the coding strand, the complement: CEP290 is on the minus strand). VCF-style: chr12-88087779-C-G. GRCh37 (hg19) VCF-style: chr12-88481556-C-G.
Other names: c.4194+1G>C (NM_025114.3).
Identifiers: ClinVar variation 2020909 (VCV002020909.5), dbSNP rs1306782857, ClinGen allele CA385998806.

ClinVar aggregate classification (germline): Likely pathogenic. Review status: criteria provided, multiple submitters, no conflicts (2 of 4 stars). 2 submissions from 2 submitters: Likely pathogenic (2). Last evaluated 2024-10-07.

Conditions:
CEP290-related disorder. Also called: CEP290-related condition; CEP290-related disorders. Identifiers: MedGen CN239314.
Nephronophthisis. Also called: Juvenile Nephronophthisis. Identifiers: Orphanet 655, MedGen C0687120, MONDO:0019005, HP:0000090.
Joubert syndrome. Also called: Familial aplasia of the vermis; JOUBERT-BOLTSHAUSER SYNDROME. Identifiers: Orphanet 475, MedGen C5979921, MONDO:0018772.
Meckel-Gruber syndrome. Also called: Dysencephalia splachnocystica; DYSENCEPHALIA SPLANCHNOCYSTICA; GRUBER SYNDROME. Identifiers: Orphanet 564, MedGen C0265215, MONDO:0018921.

Allele frequency attached by ClinVar (database versions not stated): gnomAD exomes below 0.00001; TOPMed below 0.00001.
gnomAD v4.1: 1 of 942,518 alleles (0.00011%); highest among the groups gnomAD compares: South Asian, 0.0036%; no homozygotes.

Submissions (2):

PreventionGenetics, part of Exact Sciences
Classification: Likely pathogenic for CEP290-related condition. Last evaluated: 2024-10-07. Review status: criteria provided, single submitter. Criteria: ACMG Guidelines, 2015. Collection method: clinical testing. Allele origin: germline.
Comment: The CEP290 c.4194+1G>C variant is predicted to disrupt the GT donor site and interfere with normal splicing. To our knowledge, it has not been reported in the literature. This variant has not been reported in a large population database, indicating this variant is rare. However, variants that disrupt the consensus splice donor site in CEP290 are expected to be pathogenic (see, for example, Coppieters et al. 2010. PubMed ID: 20683928; Perrault et al. 2007. PubMed ID: 17345604). This variant is interpreted as likely pathogenic.

Labcorp Genetics (formerly Invitae), Labcorp
Classification: Likely pathogenic for Joubert syndrome; Meckel-Gruber syndrome; Nephronophthisis. Last evaluated: 2022-08-01. Review status: criteria provided, single submitter. Criteria: Invitae Variant Classification Sherloc (09022015). Collection method: clinical testing. Allele origin: germline.
Comment: This variant has not been reported in the literature in individuals affected with CEP290-related conditions. Algorithms developed to predict the effect of sequence changes on RNA splicing suggest that this variant may disrupt the consensus splice site. In summary, the currently available evidence indicates that the variant is pathogenic, but additional data are needed to prove that conclusively. Therefore, this variant has been classified as Likely Pathogenic. This variant is not present in population databases (gnomAD no frequency). This sequence change affects a donor splice site in intron 32 of the CEP290 gene. It is expected to disrupt RNA splicing. Variants that disrupt the donor or acceptor splice site typically lead to a loss of protein function (PMID: 16199547), and loss-of-function variants in CEP290 are known to be pathogenic (PMID: 16909394, 17345604, 20690115).

Literature cited by the submitters: PubMed 16199547 (cited by Labcorp Genetics (formerly Invitae), Labcorp); PubMed 16909394 (cited by Labcorp Genetics (formerly Invitae), Labcorp); PubMed 17345604 (cited by Labcorp Genetics (formerly Invitae), Labcorp); PubMed 20690115 (cited by Labcorp Genetics (formerly Invitae), Labcorp).